The following is an entry in ClinVar:

NM_004655.4(AXIN2):c.2374A>G (p.Lys792Glu)

Gene: AXIN2 (axin 2; minus strand). Cytogenetic location: 17q24.1.
Variant type: single nucleotide variant.
Coding change: c.2374A>G on transcript NM_004655.4 (MANE Select); coding-DNA position 2374, A replaced by G.
Protein change: p.Lys792Glu; replaces lysine 792 with glutamic acid.
Molecular consequence: missense variant.
Genome position (GRCh38, 1-based): chr17:65,533,943, T>C on the plus strand (A>G on the coding strand, the complement: AXIN2 is on the minus strand). VCF-style: chr17-65533943-T-C. GRCh37 (hg19) VCF-style: chr17-63530061-T-C.
Other names: c.2179A>G, p.Lys727Glu (NM_001363813.1); short protein forms K727E, K792E.
Identifiers: ClinVar variation 2087945 (VCV002087945.5), dbSNP rs2509388650, ClinGen allele CA400675387.

ClinVar aggregate classification (germline): Uncertain significance. Review status: criteria provided, multiple submitters, no conflicts (2 of 4 stars). 2 submissions from 2 submitters: Uncertain significance (2). Last evaluated 2026-07-07.

Conditions:
Hereditary cancer-predisposing syndrome. Also called: Tumor predisposition; Hereditary Cancer Syndrome; Hereditary neoplastic syndrome; Neoplastic Syndromes, Hereditary. Identifiers: Orphanet 140162, MedGen C0027672, MeSH D009386, MONDO:0015356.
Oligodontia-cancer predisposition syndrome. Also called: TOOTH AGENESIS-COLORECTAL CANCER SYNDROME. Identifiers: Orphanet 300576, MedGen C1837750, MONDO:0012075, OMIM 608615. Disease mechanism: loss of function.

Submissions (2):

Ambry Genetics
Classification: Uncertain significance for Hereditary cancer-predisposing syndrome. Last evaluated: 2026-07-07. Review status: criteria provided, single submitter. Criteria: Ambry Variant Classification Scheme 2023. Collection method: clinical testing. Allele origin: germline.
Comment: The p.K792E variant (also known as c.2374A>G), located in coding exon 9 of the AXIN2 gene, results from an A to G substitution at nucleotide position 2374. The lysine at codon 792 is replaced by glutamic acid, an amino acid with similar properties. This amino acid position is conserved. In addition, this alteration is predicted to be deleterious by in silico analysis. Based on the available evidence, the clinical significance of this variant remains unclear.

Labcorp Genetics (formerly Invitae), Labcorp
Classification: Uncertain significance for Oligodontia-cancer predisposition syndrome. Last evaluated: 2022-08-23. Review status: criteria provided, single submitter. Criteria: Invitae Variant Classification Sherloc (09022015). Collection method: clinical testing. Allele origin: germline.
Comment: In summary, the available evidence is currently insufficient to determine the role of this variant in disease. Therefore, it has been classified as a Variant of Uncertain Significance. Algorithms developed to predict the effect of missense changes on protein structure and function are either unavailable or do not agree on the potential impact of this missense change (SIFT: "Deleterious"; PolyPhen-2: "Probably Damaging"; Align-GVGD: "Class C0"). This variant has not been reported in the literature in individuals affected with AXIN2-related conditions. This variant is not present in population databases (gnomAD no frequency). This sequence change replaces lysine, which is basic and polar, with glutamic acid, which is acidic and polar, at codon 792 of the AXIN2 protein (p.Lys792Glu).